The following is an entry in ClinVar:

ClinVar aggregate classification (germline): Likely benign. Review status: criteria provided, multiple submitters, no conflicts (2 of 4 stars). 3 submissions from 3 submitters: Likely benign (3). Last evaluated 2026-02-26.

Conditions:
ERCC2-related disorder. Also called: ERCC2-related disorders; ERCC2-related conditions; ERCC2-related condition. Identifiers: MedGen CN239291.
Inborn genetic diseases. Identifiers: MedGen C0950123, MeSH D030342.

Submissions (3):

PreventionGenetics, part of Exact Sciences
Classification: Likely benign for ERCC2-related condition. Last evaluated: 2026-02-26. Review status: criteria provided, single submitter. Criteria: ACMG Guidelines, 2015. Collection method: clinical testing. Allele origin: germline.
Comment: This variant is classified as likely benign based on ACMG/AMP sequence variant interpretation guidelines (Richards et al. 2015 PMID: 25741868, with internal and published modifications).

Labcorp Genetics (formerly Invitae), Labcorp
Classification: Likely benign. Last evaluated: 2025-12-16. Review status: criteria provided, single submitter. Criteria: Invitae Variant Classification Sherloc (09022015). Collection method: clinical testing. Allele origin: germline.

Ambry Genetics
Classification: Likely benign for Inborn genetic diseases. Last evaluated: 2021-01-26. Review status: criteria provided, single submitter. Criteria: Ambry Variant Classification Scheme 2023. Collection method: clinical testing. Allele origin: germline.

NM_000400.4(ERCC2):c.1815C>G (p.Ser605=)

Gene: ERCC2 (ERCC excision repair 2, TFIIH core complex helicase subunit; minus strand). Cytogenetic location: 19q13.32.
Variant type: single nucleotide variant.
Coding change: c.1815C>G on transcript NM_000400.4 (MANE Select); coding-DNA position 1815, C replaced by G.
Protein change: p.Ser605=; no amino-acid change (serine 605 retained).
Molecular consequence: synonymous variant.
Genome position (GRCh38, 1-based): chr19:45,353,099, G>C on the plus strand (C>G on the coding strand, the complement: ERCC2 is on the minus strand). VCF-style: chr19-45353099-G-C. GRCh37 (hg19) VCF-style: chr19-45856357-G-C.
Identifiers: ClinVar variation 1780653 (VCV001780653.6), dbSNP rs368708674, ClinGen allele CA9513071.